The following is an entry in ClinVar:

NM_000255.4(MMUT):c.975del (p.Arg326fs)

Gene: MMUT (methylmalonyl-CoA mutase; minus strand). Cytogenetic location: 6p12.3.
Variant type: Deletion.
Coding change: c.975del on transcript NM_000255.4 (MANE Select); coding-DNA position 975, one base deleted (T; older notation c.975delT).
Protein change: p.Arg326fs; shifts the reading frame from arginine 326.
Molecular consequence: frameshift variant.
Genome position (GRCh38, 1-based): chr6:49,453,693, A deleted on the plus strand (T on the coding strand, the reverse complement: MMUT is on the minus strand). VCF-style (leftmost placement, unchanged base first): chr6-49453692-TA-T. GRCh37 (hg19) VCF-style: chr6-49421405-TA-T.
Other names: short protein forms R326fs.
Identifiers: ClinVar variation 1724873 (VCV001724873.2), dbSNP rs2481339111, ClinGen allele CA2580074727.

ClinVar aggregate classification (germline): Likely pathogenic (1 of 4 stars; one submission).

Conditions:
Methylmalonic aciduria due to methylmalonyl-CoA mutase deficiency (MAMM). Also called: Methylmalonic aciduria, mut type. Identifiers: Orphanet 27, MedGen C1855114, MONDO:0009612, OMIM 251000.

Submission:

Myriad Genetics, Inc.
Classification: Likely pathogenic for Methylmalonic aciduria due to methylmalonyl-CoA mutase deficiency. Last evaluated: 2022-03-02. Review status: criteria provided, single submitter. Criteria: Myriad Women's Health Autosomal Recessive and X-Linked Classification Criteria (2021). Collection method: clinical testing. Allele origin: unknown.
Comment: NM_000255.3(MMUT):c.975delT(R326Efs*7) is expected to be pathogenic in the context of methylmalonic acidemia, MMUT-related. This variant is predicted to lead to an abnormal or absent protein product due to the creation of a premature termination codon in MMUT, a gene where loss-of-function variants are known to be pathogenic. Please note: this variant was assessed in the context of healthy population screening.